The following is an entry in ClinVar:

ClinVar aggregate classification (germline): Uncertain significance (1 of 4 stars; one submission).

Conditions:
Amyotrophic lateral sclerosis type 15. Also called: AMYOTROPHIC LATERAL SCLEROSIS 15 WITH FRONTOTEMPORAL DEMENTIA. Identifiers: Orphanet 803, MedGen C3275459, MONDO:0010459, OMIM 300857.

Allele frequency attached by ClinVar (database versions not stated): TOPMed 0.00001; gnomAD 0.00002.

Submission:

Labcorp Genetics (formerly Invitae), Labcorp
Classification: Uncertain significance for Amyotrophic lateral sclerosis type 15. Last evaluated: 2022-06-23. Review status: criteria provided, single submitter. Criteria: Invitae Variant Classification Sherloc (09022015). Collection method: clinical testing. Allele origin: germline.
Comment: In summary, the available evidence is currently insufficient to determine the role of this variant in disease. Therefore, it has been classified as a Variant of Uncertain Significance. Algorithms developed to predict the effect of missense changes on protein structure and function are either unavailable or do not agree on the potential impact of this missense change (SIFT: "Not Available"; PolyPhen-2: "Possibly Damaging"; Align-GVGD: "Not Available"). This variant has not been reported in the literature in individuals affected with UBQLN2-related conditions. This variant is not present in population databases (gnomAD no frequency). This sequence change replaces glycine, which is neutral and non-polar, with glutamic acid, which is acidic and polar, at codon 144 of the UBQLN2 protein (p.Gly144Glu).

NM_013444.4(UBQLN2):c.431G>A (p.Gly144Glu)

Gene: UBQLN2 (ubiquilin 2; plus strand). Cytogenetic location: Xp11.21.
Variant type: single nucleotide variant.
Coding change: c.431G>A on transcript NM_013444.4 (MANE Select); coding-DNA position 431, G replaced by A.
Protein change: p.Gly144Glu; replaces glycine 144 with glutamic acid.
Molecular consequence: missense variant.
Genome position (GRCh38, 1-based): chrX:56,564,304, G>A. VCF-style: chrX-56564304-G-A. GRCh37 (hg19) VCF-style: chrX-56590737-G-A.
Other names: short protein forms G144E.
Identifiers: ClinVar variation 1912225 (VCV001912225.5), dbSNP rs1430417904, ClinGen allele CA413378304.